The following is an entry in ClinVar:

NM_001754.5(RUNX1):c.1247T>C (p.Phe416Ser)

Gene: RUNX1 (RUNX family transcription factor 1; minus strand). Cytogenetic location: 21q22.12.
Variant type: single nucleotide variant.
Coding change: c.1247T>C on transcript NM_001754.5 (MANE Select); coding-DNA position 1247, T replaced by C.
Protein change: p.Phe416Ser; replaces phenylalanine 416 with serine.
Molecular consequence: missense variant.
Genome position (GRCh38, 1-based): chr21:34,792,331, A>G on the plus strand (T>C on the coding strand, the complement: RUNX1 is on the minus strand). VCF-style: chr21-34792331-A-G. GRCh37 (hg19) VCF-style: chr21-36164628-A-G.
Other names: NM_001754.5(RUNX1):c.1247T>C; p.Phe416Ser; c.1166T>C, p.Phe389Ser (NM_001001890.3); short protein forms F389S, F416S.
Identifiers: ClinVar variation 2001260 (VCV002001260.5), dbSNP rs2145874750, ClinGen allele CA410147666.

ClinVar aggregate classification (germline): Uncertain significance. Review status: reviewed by expert panel (3 of 4 stars). 2 submissions from 2 submitters: Uncertain significance (1). 1 of the submissions does not count toward it. Last evaluated 2023-11-13.

Conditions:
Hereditary thrombocytopenia and hematological cancer predisposition syndrome associated with RUNX1. Also called: Familial Platelet Disorder with Propensity to Acute Myelogenous Leukemia; Familial thrombocytopenia with propensity to acute myelogenous leukemia; PLATELET DISORDER, ASPIRIN-LIKE; RUNX1 Familial Platelet Disorder with Associated Myeloid Malignancies. Identifiers: Orphanet 71290, MedGen C1832388, MeSH C563324, MONDO:0100083, OMIM 601399.
Hereditary thrombocytopenia and hematologic cancer predisposition syndrome. Identifiers: Orphanet 71290, MedGen CN281654, MONDO:0011071.

Submissions (2):

ClinGen Myeloid Malignancy Variant Curation Expert Panel
Classification: Uncertain significance for Hereditary thrombocytopenia and hematologic cancer predisposition syndrome. Last evaluated: 2023-11-13. Review status: reviewed by expert panel. Criteria: ClinGen MyeloMalig ACMG Specifications v2. Collection method: curation. Allele origin: germline. Inheritance: Autosomal dominant inheritance.
Comment: NM_001754.5(RUNX1):c.1247T>C (p.Phe416Ser) is a missense variant. This variant is completely absent from all population databases with at least 20x coverage for RUNX1 in gnomAD v2.1.1 and v3.1.2 (PM2_supporting). In summary, the clinical significance of this variant is uncertain. ACMG/AMP criteria applied, as specified by the Myeloid Malignancy Variant Curation Expert Panel for RUNX1: PM2_supporting.

Labcorp Genetics (formerly Invitae), Labcorp
Classification: Uncertain significance for Hereditary thrombocytopenia and hematological cancer predisposition syndrome associated with RUNX1. Last evaluated: 2022-05-30. Review status: criteria provided, single submitter. Criteria: Invitae Variant Classification Sherloc (09022015). Collection method: clinical testing. Allele origin: germline. Not counted in ClinVar's aggregate classification.
Comment: In summary, the available evidence is currently insufficient to determine the role of this variant in disease. Therefore, it has been classified as a Variant of Uncertain Significance. Algorithms developed to predict the effect of missense changes on protein structure and function are either unavailable or do not agree on the potential impact of this missense change (SIFT: "Tolerated"; PolyPhen-2: "Possibly Damaging"; Align-GVGD: "Class C0"). This variant has not been reported in the literature in individuals affected with RUNX1-related conditions. This variant is not present in population databases (gnomAD no frequency). This sequence change replaces phenylalanine, which is neutral and non-polar, with serine, which is neutral and polar, at codon 416 of the RUNX1 protein (p.Phe416Ser).